The following is an entry in ClinVar:

ClinVar aggregate classification (germline): Uncertain significance (1 of 4 stars; one submission).

Conditions:
Emery-Dreifuss muscular dystrophy 4, autosomal dominant (EDMD4). Also called: EMERY-DREIFUSS MUSCULAR DYSTROPHY 4 WITH VARIABLE FEATURES. Identifiers: Orphanet 261, MedGen C2751807, MONDO:0013071, OMIM 612998.
Autosomal recessive ataxia, Beauce type. Also called: SYNE1 Deficiency; Spinocerebellar ataxia, autosomal recessive 8; ATAXIA, RECESSIVE, OF BEAUCE; SYNE1-Related Autosomal Recessive Cerebellar Ataxia. Identifiers: Orphanet 88644, MedGen C1853116, MONDO:0012549, OMIM 610743.

Allele frequency attached by ClinVar (database versions not stated): gnomAD exomes 0.00001.
gnomAD v4.1: 6 of 1,614,226 alleles (0.00037%); highest among the groups gnomAD compares: Admixed American, 0.01%; no homozygotes.

Submission:

Labcorp Genetics (formerly Invitae), Labcorp
Classification: Uncertain significance for Emery-Dreifuss muscular dystrophy 4, autosomal dominant; Autosomal recessive ataxia, Beauce type. Last evaluated: 2023-08-10. Review status: criteria provided, single submitter. Criteria: Invitae Variant Classification Sherloc (09022015). Collection method: clinical testing. Allele origin: germline.
Comment: This sequence change replaces glutamine, which is neutral and polar, with arginine, which is basic and polar, at codon 6157 of the SYNE1 protein (p.Gln6157Arg). This variant is present in population databases (no rsID available, gnomAD 0.01%). In summary, the available evidence is currently insufficient to determine the role of this variant in disease. Therefore, it has been classified as a Variant of Uncertain Significance. An algorithm developed to predict the effect of missense changes on protein structure and function (PolyPhen-2) suggests that this variant is likely to be disruptive. ClinVar contains an entry for this variant (Variation ID: 1932482). This variant has not been reported in the literature in individuals affected with SYNE1-related conditions.

NM_182961.4(SYNE1):c.18683A>G (p.Gln6228Arg)

Gene: SYNE1 (spectrin repeat containing nuclear envelope protein 1; minus strand). Cytogenetic location: 6q25.2.
Variant type: single nucleotide variant.
Coding change: c.18683A>G on transcript NM_182961.4 (MANE Select); coding-DNA position 18683, A replaced by G.
Protein change: p.Gln6228Arg; replaces glutamine 6228 with arginine.
Molecular consequence: missense variant.
Genome position (GRCh38, 1-based): chr6:152,269,177, T>C on the plus strand (A>G on the coding strand, the complement: SYNE1 is on the minus strand). VCF-style: chr6-152269177-T-C. GRCh37 (hg19) VCF-style: chr6-152590312-T-C.
Other names: c.18470A>G, p.Gln6157Arg (NM_033071.5); short protein forms Q6228R, Q6157R.
Identifiers: ClinVar variation 1932482 (VCV001932482.5), dbSNP rs1178517684, ClinGen allele CA366092618.